The following is an entry in ClinVar:

ClinVar aggregate classification (germline): Uncertain significance. Review status: criteria provided, multiple submitters, no conflicts (2 of 4 stars). 3 submissions from 3 submitters: Uncertain significance (3). Last evaluated 2024-03-17.

Conditions:
Hereditary cancer-predisposing syndrome. Also called: Tumor predisposition; Hereditary Cancer Syndrome; Hereditary neoplastic syndrome; Neoplastic Syndromes, Hereditary. Identifiers: Orphanet 140162, MedGen C0027672, MeSH D009386, MONDO:0015356.
BAP1-related tumor predisposition syndrome (TPDS1). Also called: Tumor susceptibility linked to germline BAP1 mutations; TUMOR PREDISPOSITION SYNDROME 1; BAP1 tumor predisposition syndrome; COMMON Syndrome. Identifiers: Orphanet 289539, MedGen C3280492, MONDO:0013692, OMIM 614327.

Submissions (3):

Baylor Genetics
Classification: Uncertain significance for BAP1-related tumor predisposition syndrome. Last evaluated: 2024-03-17. Review status: criteria provided, single submitter. Criteria: ACMG Guidelines, 2015. Collection method: clinical testing. Allele origin: unknown.

Labcorp Genetics (formerly Invitae), Labcorp
Classification: Uncertain significance for BAP1-related tumor predisposition syndrome. Last evaluated: 2023-09-22. Review status: criteria provided, single submitter. Criteria: Invitae Variant Classification Sherloc (09022015). Collection method: clinical testing. Allele origin: germline.
Comment: In summary, the available evidence is currently insufficient to determine the role of this variant in disease. Therefore, it has been classified as a Variant of Uncertain Significance. Advanced modeling of protein sequence and biophysical properties (such as structural, functional, and spatial information, amino acid conservation, physicochemical variation, residue mobility, and thermodynamic stability) performed at Invitae indicates that this missense variant is not expected to disrupt BAP1 protein function. This variant has not been reported in the literature in individuals affected with BAP1-related conditions. This variant is not present in population databases (gnomAD no frequency). This sequence change replaces aspartic acid, which is acidic and polar, with glutamic acid, which is acidic and polar, at codon 536 of the BAP1 protein (p.Asp536Glu).

Ambry Genetics
Classification: Uncertain significance for Hereditary cancer-predisposing syndrome. Last evaluated: 2023-07-27. Review status: criteria provided, single submitter. Criteria: Ambry Variant Classification Scheme 2023. Collection method: clinical testing. Allele origin: germline.
Comment: The p.D536E variant (also known as c.1608C>A), located in coding exon 13 of the BAP1 gene, results from a C to A substitution at nucleotide position 1608. The aspartic acid at codon 536 is replaced by glutamic acid, an amino acid with highly similar properties. This amino acid position is conserved. In addition, this alteration is predicted to be tolerated by in silico analysis. Since supporting evidence is limited at this time, the clinical significance of this alteration remains unclear.

NM_004656.4(BAP1):c.1608C>A (p.Asp536Glu)

Gene: BAP1 (BRCA1 associated deubiquitinase 1; minus strand). Cytogenetic location: 3p21.1.
Variant type: single nucleotide variant.
Coding change: c.1608C>A on transcript NM_004656.4 (MANE Select); coding-DNA position 1608, C replaced by A.
Protein change: p.Asp536Glu; replaces aspartic acid 536 with glutamic acid.
Molecular consequence: missense variant.
Genome position (GRCh38, 1-based): chr3:52,403,537, G>T on the plus strand (C>A on the coding strand, the complement: BAP1 is on the minus strand). VCF-style: chr3-52403537-G-T. GRCh37 (hg19) VCF-style: chr3-52437553-G-T.
Other names: c.1554C>A, p.Asp518Glu (NM_001410772.1); short protein forms D518E, D536E.
Identifiers: ClinVar variation 2624656 (VCV002624656.6), dbSNP rs2153226640, ClinGen allele CA353100364.